The following is an entry in ClinVar:

NM_005559.4(LAMA1):c.7585G>A (p.Gly2529Arg)

Gene: LAMA1 (laminin subunit alpha 1; minus strand). Cytogenetic location: 18p11.31.
Variant type: single nucleotide variant.
Coding change: c.7585G>A on transcript NM_005559.4 (MANE Select); coding-DNA position 7585, G replaced by A.
Protein change: p.Gly2529Arg; replaces glycine 2529 with arginine.
Molecular consequence: missense variant.
Genome position (GRCh38, 1-based): chr18:6,961,627, C>T on the plus strand (G>A on the coding strand, the complement: LAMA1 is on the minus strand). VCF-style: chr18-6961627-C-T. GRCh37 (hg19) VCF-style: chr18-6961626-C-T.
Other names: short protein forms G2529R.
Identifiers: ClinVar variation 1991687 (VCV001991687.4), dbSNP rs373829095, ClinGen allele CA295781138.

ClinVar aggregate classification (germline): Uncertain significance (1 of 4 stars; one submission).

Allele frequency attached by ClinVar (database versions not stated): gnomAD 0.00002; TOPMed 0.00002; ESP Exome Variant Server 0.00008.
gnomAD v4.1: 38 of 1,613,964 alleles (0.0024%); highest among the groups gnomAD compares: Admixed American, 0.0033%; no homozygotes.

Submission:

Labcorp Genetics (formerly Invitae), Labcorp
Classification: Uncertain significance. Last evaluated: 2022-07-02. Review status: criteria provided, single submitter. Criteria: Invitae Variant Classification Sherloc (09022015). Collection method: clinical testing. Allele origin: germline.
Comment: This sequence change replaces glycine, which is neutral and non-polar, with arginine, which is basic and polar, at codon 2529 of the LAMA1 protein (p.Gly2529Arg). This variant is present in population databases (rs373829095, gnomAD 0.003%). This variant has not been reported in the literature in individuals affected with LAMA1-related conditions. Algorithms developed to predict the effect of missense changes on protein structure and function output the following: SIFT: "Tolerated"; PolyPhen-2: "Benign"; Align-GVGD: "Class C0". The arginine amino acid residue is found in multiple mammalian species, which suggests that this missense change does not adversely affect protein function. In summary, the available evidence is currently insufficient to determine the role of this variant in disease. Therefore, it has been classified as a Variant of Uncertain Significance.